The following is an entry in ClinVar:

ClinVar aggregate classification (germline): Pathogenic (1 of 4 stars; one submission).

Conditions:
Nephronophthisis 18 (NPHP18). Identifiers: Orphanet 655, MedGen C3890591, MONDO:0014374, OMIM 615862.

Submission:

Labcorp Genetics (formerly Invitae), Labcorp
Classification: Pathogenic for Nephronophthisis 18. Last evaluated: 2024-11-29. Review status: criteria provided, single submitter. Criteria: Invitae Variant Classification Sherloc (09022015). Collection method: clinical testing. Allele origin: germline.
Comment: This sequence change creates a premature translational stop signal (p.Glu437Aspfs*10) in the CEP83 gene. It is expected to result in an absent or disrupted protein product. Loss-of-function variants in CEP83 are known to be pathogenic (PMID: 23530209, 24882706). This variant is present in population databases (no rsID available, gnomAD 0.003%). This variant has not been reported in the literature in individuals affected with CEP83-related conditions. ClinVar contains an entry for this variant (Variation ID: 1438565). For these reasons, this variant has been classified as Pathogenic.

Literature cited by the submitters: PubMed 23530209; PubMed 24882706.

NM_016122.3(CEP83):c.1311_1315del (p.Glu437fs)

Gene: CEP83 (centrosomal protein 83; minus strand). Cytogenetic location: 12q22.
Variant type: Deletion.
Coding change: c.1311_1315del on transcript NM_016122.3 (MANE Select); coding-DNA positions 1311 to 1315, 5 bases deleted (AGAGA; older notation c.1311_1315delAGAGA).
Protein change: p.Glu437fs; shifts the reading frame from glutamic acid 437.
Molecular consequence: frameshift variant. On other transcripts: non-coding transcript variant (1).
Genome position (GRCh38, 1-based): chr12:94,367,822-94,367,826, TCTCT deleted on the plus strand (AGAGA on the coding strand, the reverse complement: CEP83 is on the minus strand); deleting any 5 consecutive bases within chr12:94,367,822-94,367,829 gives the same sequence; the c. name uses the placement nearest the transcript's 3' end. VCF-style (leftmost placement, unchanged base first): chr12-94367821-ATCTCT-A. GRCh37 (hg19) VCF-style: chr12-94761597-ATCTCT-A.
Other names: c.1311_1315del, p.Glu437fs (NM_001042399.2, NM_001346457.2, NM_001368037.1 and 1 more transcripts); c.999_1003del, p.Glu333fs (NM_001346458.2, NM_001346459.2, NM_001368039.1 and 1 more transcripts); c.1086_1090del, p.Glu362fs (NM_001368041.1); short protein forms E333fs, E362fs, E437fs.
Identifiers: ClinVar variation 1438565 (VCV001438565.6), dbSNP rs1187876547, ClinGen allele CA606980723.